The following is an entry in ClinVar:

NM_015164.4(PLEKHM2):c.2302C>T (p.Pro768Ser)

Gene: PLEKHM2 (pleckstrin homology and RUN domain containing M2; plus strand). Cytogenetic location: 1p36.21.
Variant type: single nucleotide variant.
Coding change: c.2302C>T on transcript NM_015164.4 (MANE Select); coding-DNA position 2302, C replaced by T.
Protein change: p.Pro768Ser; replaces proline 768 with serine.
Molecular consequence: missense variant.
Genome position (GRCh38, 1-based): chr1:15,730,625, C>T. VCF-style: chr1-15730625-C-T. GRCh37 (hg19) VCF-style: chr1-16057120-C-T.
Other names: c.2242C>T, p.Pro748Ser (NM_001410755.1); c.2302C>T (NM_015164.2); short protein forms P748S, P768S.
Identifiers: ClinVar variation 2720154 (VCV002720154.4), dbSNP rs754341890, ClinGen allele CA18267755.

ClinVar aggregate classification (germline): Uncertain significance. Review status: criteria provided, multiple submitters, no conflicts (2 of 4 stars). 2 submissions from 2 submitters: Uncertain significance (2). Last evaluated 2024-11-15.

gnomAD v4.1: 8 of 1,608,254 alleles (0.0005%); highest among the groups gnomAD compares: African/African-American, 0.008%; no homozygotes.

Submissions (2):

Ambry Genetics
Classification: Uncertain significance. Last evaluated: 2024-11-15. Review status: criteria provided, single submitter. Criteria: Ambry Variant Classification Scheme 2023. Collection method: clinical testing. Allele origin: germline.

Labcorp Genetics (formerly Invitae), Labcorp
Classification: Uncertain significance. Last evaluated: 2023-03-29. Review status: criteria provided, single submitter. Criteria: Invitae Variant Classification Sherloc (09022015). Collection method: clinical testing. Allele origin: germline.
Comment: In summary, the available evidence is currently insufficient to determine the role of this variant in disease. Therefore, it has been classified as a Variant of Uncertain Significance. An algorithm developed to predict the effect of missense changes on protein structure and function (PolyPhen-2) suggests that this variant is likely to be tolerated. This sequence change replaces proline, which is neutral and non-polar, with serine, which is neutral and polar, at codon 768 of the PLEKHM2 protein (p.Pro768Ser). The frequency data for this variant in the population databases is considered unreliable, as metrics indicate poor data quality at this position in the gnomAD database. This variant has not been reported in the literature in individuals affected with PLEKHM2-related conditions.